The following is an entry in ClinVar:

ClinVar aggregate classification (germline): Likely benign. Review status: criteria provided, multiple submitters, no conflicts (2 of 4 stars). 2 submissions from 2 submitters: Likely benign (2). Last evaluated 2017-04-27.

Conditions:
Usher syndrome type 1G. Also called: USHER SYNDROME, TYPE IG, MILD. Identifiers: Orphanet 231169, Orphanet 886, MedGen C1847089, MONDO:0011748, OMIM 606943.

Allele frequency attached by ClinVar (database versions not stated): gnomAD 0.19308 and 0.19902; 1000 Genomes Project 30x 0.20675; TOPMed 0.20804; gnomAD exomes 0.25604.

Submissions (2):

Illumina Laboratory Services, Illumina
Classification: Likely benign for Usher syndrome type 1G. Last evaluated: 2017-04-27. Review status: criteria provided, single submitter. Criteria: ICSL Variant Classification Criteria 13 December 2019. Collection method: clinical testing. Allele origin: germline.
Comment: This variant was observed as part of a predisposition screen in an ostensibly healthy population. A literature search was performed for the gene, cDNA change, and amino acid change (where applicable). No publications were found based on this search. Allele frequency data from public databases allowed determination this variant is unlikely to cause disease. Therefore, this variant is classified as likely benign.

Breakthrough Genomics
Classification: Likely benign. Review status: criteria provided, single submitter. Criteria: ACMG Guidelines, 2015. Collection method: not provided. Allele origin: germline. Inheritance: Autosomal recessive inheritance. Affected: yes.

NM_173477.5(USH1G):c.*1093=

Gene: USH1G (USH1 protein network component sans; minus strand). Cytogenetic location: 17q25.1.
Variant type: single nucleotide variant.
Coding change: c.*1093= on transcript NM_173477.5 (MANE Select); 1093 bases downstream of the stop codon, no change from the reference sequence.
Molecular consequence: no sequence alteration.
Genome position: GRCh38 VCF-style: chr17-74916980-C-C. GRCh37 (hg19) VCF-style: chr17-72913072-T-C.
Other names: c.*1093= (NM_001282489.3).
Identifiers: ClinVar variation 325040 (VCV000325040.6), dbSNP rs690566.
Genomic context (GRCh38, chr17:74,916,980, plus strand): 5'-CACATGCACACACATGCATGCACACACACAAACACGCACGCGTTCACGTGCACACACACG[C=]ACACATGTATGCAAGAACACACACACCCAAGCACACACCCGTGCTCACACATACCACATA-3'